The following is an entry in ClinVar:

ClinVar aggregate classification (germline): Likely pathogenic (1 of 4 stars; one submission).

Submission:

GeneDx
Classification: Likely pathogenic. Last evaluated: 2020-05-13. Review status: criteria provided, single submitter. Criteria: GeneDx Variant Classification Process June 2021. Collection method: clinical testing. Allele origin: germline. Affected: yes.
Comment: Has not been previously published as pathogenic or benign to our knowledge; Frameshift variant predicted to result in protein truncation or nonsense mediated decay in a gene for which loss-of-function is a known mechanism of disease; Not observed in large population cohorts (Lek et al., 2016)

NM_000238.4(KCNH2):c.331_337dup (p.Val113fs)

Gene: KCNH2 (potassium voltage-gated channel subfamily H member 2; minus strand). Cytogenetic location: 7q36.1.
Variant type: Duplication.
Coding change: c.331_337dup on transcript NM_000238.4 (MANE Select); coding-DNA positions 331 to 337, 7 bases duplicated (GATGTGG; older notation c.331_337dupGATGTGG).
Protein change: p.Val113fs; shifts the reading frame from valine 113.
Molecular consequence: frameshift variant.
Genome position (GRCh38, 1-based): chr7:150,959,707-150,959,713, CCACATC duplicated on the plus strand (GATGTGG on the coding strand, the reverse complement: KCNH2 is on the minus strand); duplicating any 7 consecutive bases within chr7:150,959,707-150,959,714 gives the same sequence; the c. name uses the placement nearest the transcript's 3' end. VCF-style (leftmost placement, unchanged base first): chr7-150959706-A-ACCACATC. GRCh37 (hg19) VCF-style: chr7-150656794-A-ACCACATC.
Other names: c.331_337dupGATGTGG (NM_000238.2); c.42_48dup, p.Val17Glyfs (NM_001406753.1, NM_001406756.1); c.153_159dup, p.Val54Glyfs (NM_001406755.1); c.30_36dup, p.Val13Glyfs (NM_001406757.1); c.330_336dup, p.Val113Glyfs (NM_172056.3); short protein forms V113fs.
Identifiers: ClinVar variation 420260 (VCV000420260.6), dbSNP rs1554428238, ClinGen allele CA16618416.